The following is an entry in ClinVar:

ClinVar aggregate classification (germline): Pathogenic (1 of 4 stars; one submission).

Submission:

Labcorp Genetics (formerly Invitae), Labcorp
Classification: Pathogenic. Last evaluated: 2021-08-25. Review status: criteria provided, single submitter. Criteria: Invitae Variant Classification Sherloc (09022015). Collection method: clinical testing. Allele origin: germline.
Comment: This sequence change creates a premature translational stop signal (p.Asn1278Thrfs*9) in the COL2A1 gene. It is expected to result in an absent or disrupted protein product. Loss-of-function variants in COL2A1 are known to be pathogenic (PMID: 20179744). This variant is not present in population databases (ExAC no frequency). For these reasons, this variant has been classified as Pathogenic. This variant has not been reported in the literature in individuals affected with COL2A1-related conditions.

Literature cited by the submitters: PubMed 20179744.

NM_001844.5(COL2A1):c.3831del (p.Asn1278fs)

Gene: COL2A1 (collagen type II alpha 1 chain; minus strand). Cytogenetic location: 12q13.11.
Variant type: Deletion.
Coding change: c.3831del on transcript NM_001844.5 (MANE Select); coding-DNA position 3831, one base deleted (G; older notation c.3831delG).
Protein change: p.Asn1278fs; shifts the reading frame from asparagine 1278.
Molecular consequence: frameshift variant.
Genome position (GRCh38, 1-based): chr12:47,975,372, C deleted on the plus strand (G on the coding strand, the reverse complement: COL2A1 is on the minus strand). VCF-style (leftmost placement, unchanged base first): chr12-47975371-TC-T. GRCh37 (hg19) VCF-style: chr12-48369154-TC-T.
Other names: c.3624del, p.Asn1209fs (NM_033150.3); short protein forms N1278fs, N1209fs.
Identifiers: ClinVar variation 1378388 (VCV001378388.6), dbSNP rs2136510961, ClinGen allele CA2573148593.